The following is an entry in ClinVar:

NM_017654.4(SAMD9):c.1848del (p.Thr617fs)

Gene: SAMD9 (sterile alpha motif domain containing 9; minus strand). Cytogenetic location: 7q21.2.
Variant type: Deletion.
Coding change: c.1848del on transcript NM_017654.4 (MANE Select); coding-DNA position 1848, one base deleted (C; older notation c.1848delC).
Protein change: p.Thr617fs; shifts the reading frame from threonine 617.
Molecular consequence: frameshift variant.
Genome position (GRCh38, 1-based): chr7:93,104,250, G deleted on the plus strand (C on the coding strand, the reverse complement: SAMD9 is on the minus strand). VCF-style (leftmost placement, unchanged base first): chr7-93104249-TG-T. GRCh37 (hg19) VCF-style: chr7-92733562-TG-T.
Other names: c.1848del, p.Thr617fs (NM_001193307.2); short protein forms T617fs.
Identifiers: ClinVar variation 3898554 (VCV003898554.7).

ClinVar aggregate classification (germline): Uncertain significance (1 of 4 stars; one submission).

Submission:

CeGaT Center for Human Genetics Tuebingen
Classification: Uncertain significance. Last evaluated: 2025-04-01. Review status: criteria provided, single submitter. Criteria: CeGaT Center For Human Genetics Tuebingen Variant Classification Criteria Version 2. Collection method: clinical testing. Allele origin: germline. Affected: yes. Observed: 2 variant alleles.
Comment: SAMD9: PM2